The following is an entry in ClinVar:

ClinVar aggregate classification (germline): Uncertain significance. Review status: criteria provided, multiple submitters, no conflicts (2 of 4 stars). 2 submissions from 2 submitters: Uncertain significance (2). Last evaluated 2025-09-23.

Conditions:
Hereditary cancer-predisposing syndrome. Also called: Tumor predisposition; Hereditary Cancer Syndrome; Hereditary neoplastic syndrome; Neoplastic Syndromes, Hereditary. Identifiers: Orphanet 140162, MedGen C0027672, MeSH D009386, MONDO:0015356.
Multiple endocrine neoplasia, type 2 (MEN2). Identifiers: Orphanet 653, MedGen C4048306, MONDO:0019003. Disease mechanism: gain of function.

Submissions (2):

Ambry Genetics
Classification: Uncertain significance for Hereditary cancer-predisposing syndrome. Last evaluated: 2025-09-23. Review status: criteria provided, single submitter. Criteria: Ambry Variant Classification Scheme 2023. Collection method: clinical testing. Allele origin: germline.
Comment: The p.R418L variant (also known as c.1253G>T), located in coding exon 6 of the RET gene, results from a G to T substitution at nucleotide position 1253. The arginine at codon 418 is replaced by leucine, an amino acid with dissimilar properties. This amino acid position is conserved. In addition, this alteration is predicted to be tolerated by in silico analysis. Based on the available evidence, the clinical significance of this variant remains unclear.

Color Diagnostics, LLC DBA Color Health
Classification: Uncertain significance for Multiple endocrine neoplasia, type 2. Last evaluated: 2025-06-17. Review status: criteria provided, single submitter. Criteria: ACMG Guidelines, 2015. Collection method: clinical testing. Allele origin: germline.
Comment: This missense variant replaces arginine with leucine at codon 418 of the RET protein. Computational prediction suggests that this variant may not impact protein structure and function. To our knowledge, functional studies have not been reported for this variant. This variant has not been reported in individuals affected with RET-related disorders in the literature. This variant has not been identified in the general population by the Genome Aggregation Database (gnomAD). The available evidence is insufficient to determine the role of this variant in disease conclusively. Therefore, this variant is classified as a Variant of Uncertain Significance.

NM_020975.6(RET):c.1253G>T (p.Arg418Leu)

Gene: RET (ret proto-oncogene; plus strand). Cytogenetic location: 10q11.21.
Variant type: single nucleotide variant.
Coding change: c.1253G>T on transcript NM_020975.6 (MANE Select); coding-DNA position 1253, G replaced by T.
Protein change: p.Arg418Leu; replaces arginine 418 with leucine.
Molecular consequence: missense variant. On other transcripts: intron variant (18).
Genome position (GRCh38, 1-based): chr10:43,109,220, G>T. VCF-style: chr10-43109220-G-T. GRCh37 (hg19) VCF-style: chr10-43604668-G-T.
Other names: c.491G>T, p.Arg164Leu (NM_001355216.2); c.1253G>T, p.Arg418Leu (NM_001406743.1, NM_001406744.1, NM_001406759.1 and 4 more transcripts); c.1124G>T, p.Arg375Leu (NM_001406761.1, NM_001406762.1, NM_001406764.1 and 1 more transcripts); c.965G>T, p.Arg322Leu (NM_001406766.1, NM_001406767.1, NM_001406770.1); c.815G>T, p.Arg272Leu (NM_001406771.1, NM_001406773.1); c.527G>T, p.Arg176Leu (NM_001406775.1, NM_001406776.1, NM_001406777.1 and 1 more transcripts); c.263G>T, p.Arg88Leu (NM_001406784.1); c.868-1987G>T (NM_001406772.1, NM_001406769.1); and 5 more; short protein forms R176L, R375L, R164L, R322L, R418L, R272L, R88L.
Identifiers: ClinVar variation 4545121 (VCV004545121.2).